The following is an entry in ClinVar:

NM_000051.4(ATM):c.663-20G>A

Gene: ATM (ATM serine/threonine kinase; plus strand). Cytogenetic location: 11q22.3.
Variant type: single nucleotide variant.
Coding change: c.663-20G>A on transcript NM_000051.4 (MANE Select); 20 bases into the intron before coding-DNA position 663, G replaced by A.
Molecular consequence: intron variant.
Genome position (GRCh38, 1-based): chr11:108,244,768, G>A. VCF-style: chr11-108244768-G-A. GRCh37 (hg19) VCF-style: chr11-108115495-G-A.
Other names: c.663-20G>A (NM_001351834.2).
Identifiers: ClinVar variation 2881256 (VCV002881256.4), dbSNP rs1555066898, ClinGen allele CA2574970556.

ClinVar aggregate classification (germline): Likely benign. Review status: criteria provided, multiple submitters, no conflicts (2 of 4 stars). 2 submissions from 2 submitters: Likely benign (2). Last evaluated 2025-10-13.

Conditions:
Ataxia-telangiectasia syndrome (AT). Also called: Ataxia-telangiectasia, complementation group E; Ataxia telangiectasia (A-T); LOUIS-BAR SYNDROME; ATAXIA-TELANGIECTASIA, COMPLEMENTATION GROUP A; ATAXIA-TELANGIECTASIA, FRESNO VARIANT; Ataxia-telangiectasia, complementation group D. Identifiers: Orphanet 100, MedGen C0004135, MONDO:0008840, OMIM 208900.
Familial cancer of breast. Also called: BREAST CANCER, FAMILIAL; Hereditary breast cancer; hereditary breast carcinoma. Identifiers: Orphanet 227535, MedGen C0346153, MONDO:0016419, OMIM 114480. Disease mechanism: loss of function.

Submissions (2):

Labcorp Genetics (formerly Invitae), Labcorp
Classification: Likely benign for Ataxia-telangiectasia syndrome. Last evaluated: 2025-10-13. Review status: criteria provided, single submitter. Criteria: Invitae Variant Classification Sherloc (09022015). Collection method: clinical testing. Allele origin: germline.

Myriad Genetics, Inc.
Classification: Likely benign for Familial cancer of breast. Last evaluated: 2024-04-22. Review status: criteria provided, single submitter. Criteria: Myriad Autosomal Dominant, Autosomal Recessive and X-Linked Classification Criteria (2023). Collection method: clinical testing. Allele origin: unknown.
Comment: This variant is considered likely benign. This variant is intronic and is not expected to impact mRNA splicing.